The following is an entry in ClinVar:

ClinVar aggregate classification (germline): Conflicting classifications of pathogenicity. Review status: criteria provided, conflicting classifications (1 of 4 stars). 2 submissions from 2 submitters: Uncertain significance (1); Likely benign (1). Last evaluated 2025-12-23.

Allele frequency attached by ClinVar (database versions not stated): ExAC 0.00003; gnomAD exomes 0.00001 and 0.00002.
gnomAD v4.1: 13 of 1,613,544 alleles (0.00081%); highest among the groups gnomAD compares: South Asian, 0.013%; 1 homozygote.

Submissions (2):

Labcorp Genetics (formerly Invitae), Labcorp
Classification: Likely benign. Last evaluated: 2025-12-23. Review status: criteria provided, single submitter. Criteria: Invitae Variant Classification Sherloc (09022015). Collection method: clinical testing. Allele origin: germline.

Women's Health and Genetics/Laboratory Corporation of America, LabCorp
Classification: Uncertain significance. Last evaluated: 2023-10-27. Review status: criteria provided, single submitter. Criteria: LabCorp Variant Classification Summary - May 2015. Collection method: clinical testing. Allele origin: germline.
Comment: Variant summary: COL27A1 c.295G>A (p.Ala99Thr) results in a non-conservative amino acid change located in the Thrombospondin-like, N-terminal domain (IPR048287) of the encoded protein sequence. Four of five in-silico tools predict a benign effect of the variant on protein function. The variant allele was found at a frequency of 2.4e-05 in 250726 control chromosomes (gnomAD). c.295G>A has been reported in the literature in monozygotic twins affected with Steel syndrome who were compound heterozygous with another missense variant of uncertain significance (Girisha_2022). This report does not provide unequivocal conclusions about association of the variant with Steel syndrome. To our knowledge, no experimental evidence demonstrating an impact on protein function has been reported. The following publication has been ascertained in the context of this evaluation (PMID: 35568358). One submitter has cited a clinical-significance assessment for this variant to ClinVar after 2014 and has classified the variant as likely benign. Based on the evidence outlined above, the variant was classified as uncertain significance.

Literature cited by the submitters: PubMed 35568358 (cited by Women's Health and Genetics/Laboratory Corporation of America, LabCorp).

NM_032888.4(COL27A1):c.295G>A (p.Ala99Thr)

Gene: COL27A1 (collagen type XXVII alpha 1 chain; plus strand). Cytogenetic location: 9q32.
Variant type: single nucleotide variant.
Coding change: c.295G>A on transcript NM_032888.4 (MANE Select); coding-DNA position 295, G replaced by A.
Protein change: p.Ala99Thr; replaces alanine 99 with threonine.
Molecular consequence: missense variant.
Genome position (GRCh38, 1-based): chr9:114,167,850, G>A. VCF-style: chr9-114167850-G-A. GRCh37 (hg19) VCF-style: chr9-116930130-G-A.
Other names: short protein forms A99T.
Identifiers: ClinVar variation 827755 (VCV000827755.10), dbSNP rs748194962, ClinGen allele CA5201101.